The following is an entry in ClinVar:

ClinVar aggregate classification (germline): Conflicting classifications of pathogenicity. Review status: criteria provided, conflicting classifications (1 of 4 stars). 7 submissions from 7 submitters: Pathogenic (3); Likely pathogenic (2); Uncertain significance (1). 1 of the submissions does not count toward it. Last evaluated 2026-07-29.

Conditions:
TPM1-related disorder. Also called: TPM1-related condition.
Cardiovascular phenotype. Identifiers: MedGen CN230736.
Dilated cardiomyopathy 1Y (CMD1Y). Identifiers: Orphanet 154, Orphanet 54260, MedGen C2678476, MONDO:0012744, OMIM 611878.
Primary dilated cardiomyopathy (DCM). Also called: Dilated Cardiomyopathy. Identifiers: Orphanet 217604, MedGen C0007193, MeSH D002311, MONDO:0005021, HP:0001644. Inheritance: Various modes of inheritance.
Hypertrophic cardiomyopathy. Also called: HYPERTROPHIC MYOCARDIOPATHY. Identifiers: Orphanet 217569, MedGen C0007194, MeSH D002312, MONDO:0005045, HP:0001639.

Submissions (7):

GeneDx
Classification: Pathogenic. Last evaluated: 2026-07-29. Review status: criteria provided, single submitter. Criteria: GeneDx Variant Classification Process June 2021. Collection method: clinical testing. Allele origin: germline.
Comment: Reported as de novo, both with and without confirmed parentage, or of unknown inheritance in individuals with cardiomegaly, heart failure, left ventricular non-compaction, restrictive cardiomyopathy, and/or dilated cardiomyopathy tested at GeneDx and in published literature (PMID: 29644095, 30188508, 32600061, 34036930, 36252119, 34645491); Functional studies using human-induced pluripotent stem cells from a patient harboring the p.(R178H) variant showed impaired tropomyosin 1 localization, sarcomere structure, and calcium handling (PMID: 30188508); Not observed at significant frequency in large population cohorts (gnomAD); In silico analysis supports that this missense variant has a deleterious effect on protein structure/function; This variant is associated with the following publications: (PMID: 32600061, 33888711, 34036930, 31019026, 29644095, 30188508, 37236975, 36252119, 34645491, 37952715, 40348118, 40062436, 38874371)

Labcorp Genetics (formerly Invitae), Labcorp
Classification: Uncertain significance for Hypertrophic cardiomyopathy. Last evaluated: 2024-09-02. Review status: criteria provided, single submitter. Criteria: Invitae Variant Classification Sherloc (09022015). Collection method: clinical testing. Allele origin: germline.
Comment: This sequence change replaces arginine, which is basic and polar, with histidine, which is basic and polar, at codon 178 of the TPM1 protein (p.Arg178His). This variant is not present in population databases (gnomAD no frequency). This missense change has been observed in individual(s) with dilated cardiomyopathy and/or left ventricular noncompaction (PMID: 29644095, 30188508, 34036930; internal data). ClinVar contains an entry for this variant (Variation ID: 43423). An algorithm developed to predict the effect of missense changes on protein structure and function (PolyPhen-2) suggests that this variant is likely to be disruptive. In summary, the available evidence is currently insufficient to determine the role of this variant in disease. Therefore, it has been classified as a Variant of Uncertain Significance.

Ambry Genetics
Classification: Likely pathogenic for Cardiovascular phenotype. Last evaluated: 2024-08-15. Review status: criteria provided, single submitter. Criteria: Ambry Variant Classification Scheme 2023. Collection method: clinical testing. Allele origin: germline.
Comment: The p.R178H variant (also known as c.533G>A), located in coding exon 5 of the TPM1 gene, results from a G to A substitution at nucleotide position 533. The arginine at codon 178 is replaced by histidine, an amino acid with highly similar properties. This variant has been detected in three cases in the literature with left ventricular noncompaction or dilated cardiomyopathy presenting with or progressing to heart failure within the first year of life (Takasaki A et al. Pediatr Res, 2018 11;84:733-742; Farnaes L et al. NPJ Genom Med, 2018 Apr;3:10; Mehaney DA et al. Cardiol Young, 2022 Feb;32:295-300). In addition, this variant was confirmed de novo in a neonate with ascites, diffuse edema, and cardiomegaly with multi-chamber enlargement (external communication). This variant has also been reported as de novo in a cardiomyopathy cohort (Bagnall RD et al. Circ Genom Precis Med, 2022 Dec;15:e003686). This missense alteration is located in a region that has a low rate of benign missense variation (Lek M et al. Nature. 2016 Aug 18;536(7616):285-91; DECIPHER: Database of Chromosomal Imbalance and Phenotype in Humans using Ensembl Resources. Firth H.V. et al. 2009. Am.J.Hum.Genet. 84, 524-533 (DOI)). This amino acid position is highly conserved in available vertebrate species. In addition, this alteration is predicted to be deleterious by in silico analysis. This variant is considered to be rare based on population cohorts in the Genome Aggregation Database (gnomAD). Based on the majority of available evidence to date, this variant is likely to be pathogenic.

Genetics and Molecular Pathology, SA Pathology
Classification: Pathogenic for Primary dilated cardiomyopathy. Last evaluated: 2023-07-03. Review status: criteria provided, single submitter. Criteria: ACMG Guidelines, 2015. Collection method: clinical testing. Allele origin: germline. Affected: yes.
Comment: The TPM1 c.533G>A variant is classified as Pathogenic (PS2, PS3, PS4_Moderate, PM2, PP3) The TPM1 c.533G>A variant is a single nucleotide change in exon 5/10 of the TPM1 gene, which is predicted to change the amino acid arginine at position 178 in the protein, to histidine. The variant has been reported in greater than 6 probands with a clinical presentation of infant/childhood-onset left ventricular non-compaction/dilated cardiomyopathy/cardiomyopathy (PMID#30188508,29644095,36252119, 34036930) (PS4_Moderate) and is absent from population databases (PM2). Well-established functional studies of this variant in human-induced pluripotent stem cells (cardiomyocyte induced), show a deleterious effect with mis-localisation of tropomyosin 1 resulting in the disruption of the sarcomere and impaired calcium handling (PMID#30188508) (PS3). The variant has been reported in dbSNP (rs397516375), is reported with conflicting interpretations of pathogenicity by other diagnostic laboratories (ClinVar Variation ID: 43423) and is reported as disease causing in HGMD (CM186474). Computational predictions support a deleterious effect on the gene or gene product (PP3).

Genomic Medicine Lab, University of California San Francisco
Classification: Pathogenic for Dilated cardiomyopathy 1Y. Last evaluated: 2021-02-18. Review status: criteria provided, single submitter. Criteria: ACMG Guidelines, 2015. Collection method: clinical testing. Allele origin: de novo. Inheritance: Autosomal dominant inheritance. Affected: yes. Study: CSER-P3EGS.

Blueprint Genetics
Classification: Likely pathogenic for TPM1-related disorders. Last evaluated: 2020-10-09. Review status: criteria provided, single submitter. Criteria: ACMG Guidelines, 2015. Collection method: clinical testing. Allele origin: germline. Affected: yes. Observed: 1 variant allele.

Laboratory for Molecular Medicine, Mass General Brigham Personalized Medicine
Classification: Uncertain significance. Last evaluated: 2012-12-07. Review status: flagged submission. Criteria: LMM Criteria. Collection method: clinical testing. Allele origin: germline. Observed: 1 variant allele. Not counted in ClinVar's aggregate classification.
Comment: Variant classified as Uncertain Significance - Favor Pathogenic. The Arg178His v ariant in TPM1 has not been reported in the literature nor previously identified by our laboratory. This variant has also not been identified in large and broa d European American and African American populations screened by the NHLBI Exome Sequencing Project but it remains possible t hat this variant is common in other populations. Arginine (Arg) at position 178 is conserved in evolution and the change to Histidine (His) was predicted to be pathogenic using a computational tool clinically validated by our laboratory. T his tool's pathogenic prediction is estimated to be correct 94% of the time (Jor dan 2011). Although this data supports that the Arg178His variant may be pathoge nic, additional studies are needed to fully assess its clinical significance.
ClinVar note: Reason: Older claim that does not account for recent evidence

Literature cited by the submitters: PubMed 29644095 (cited by 3 submitters); PubMed 30188508 (cited by 3 submitters); PubMed 34036930 (cited by 3 submitters); PubMed 32600061 (cited by Ambry Genetics); PubMed 33888711 (cited by Ambry Genetics); PubMed 36252119 (cited by Ambry Genetics and Genetics and Molecular Pathology, SA Pathology).

NM_001018005.2(TPM1):c.533G>A (p.Arg178His)

Gene: TPM1 (tropomyosin 1; plus strand). Cytogenetic location: 15q22.2.
Variant type: single nucleotide variant.
Coding change: c.533G>A on transcript NM_001018005.2 (MANE Select); coding-DNA position 533, G replaced by A.
Protein change: p.Arg178His; replaces arginine 178 with histidine.
Molecular consequence: missense variant.
Genome position (GRCh38, 1-based): chr15:63,060,909, G>A. VCF-style: chr15-63060909-G-A. GRCh37 (hg19) VCF-style: chr15-63353108-G-A.
Other names: c.533G>A, p.Arg178His (NM_000366.6, NM_001018004.2, NM_001018006.2 and 6 more transcripts); c.425G>A, p.Arg142His (NM_001018008.2, NM_001301289.2, NM_001330344.2 and 5 more transcripts); c.659G>A, p.Arg220His (NM_001365778.1); short protein forms R178H, R220H, R142H.
Identifiers: ClinVar variation 43423 (VCV000043423.24), dbSNP rs397516375, ClinGen allele CA018113.
Genomic context (GRCh38, chr15:63,060,909, plus strand): 5'-GTTGTGTCTTCCTGCTGCAGGTGGCCCGTAAGCTGGTCATCATTGAGAGCGACCTGGAAC[G>A]TGCAGAGGAGCGGGCTGAGCTCTCAGAAGGGTAAGCGGGCCCGGCGCCAGGAGGCCACGA-3'
Protein context (NP_001018005.1, residues 168-188): KLVIIESDLE[Arg178His]AEERAELSEG